The following is an entry in ClinVar:

NM_014846.4(WASHC5):c.27C>G (p.Asn9Lys)

Gene: WASHC5 (WASH complex subunit 5; minus strand). Cytogenetic location: 8q24.13.
Variant type: single nucleotide variant.
Coding change: c.27C>G on transcript NM_014846.4 (MANE Select); coding-DNA position 27, C replaced by G.
Protein change: p.Asn9Lys; replaces asparagine 9 with lysine.
Molecular consequence: missense variant. On other transcripts: intron variant (1).
Genome position (GRCh38, 1-based): chr8:125,083,872, G>C on the plus strand (C>G on the coding strand, the complement: WASHC5 is on the minus strand). VCF-style: chr8-125083872-G-C. GRCh37 (hg19) VCF-style: chr8-126096114-G-C.
Other names: c.-258-614C>G (NM_001330609.2); short protein forms N9K.
Identifiers: ClinVar variation 3912014 (VCV003912014.2).

ClinVar aggregate classification (germline): Uncertain significance (1 of 4 stars; one submission).

gnomAD v4.1: 1 of 1,613,840 alleles (0.000062%); highest among the groups gnomAD compares: African/African-American, 0.0013%; no homozygotes.

Submission:

Women's Health and Genetics/Laboratory Corporation of America, LabCorp
Classification: Uncertain significance. Last evaluated: 2025-07-07. Review status: criteria provided, single submitter. Criteria: LabCorp Variant Classification Summary - May 2015. Collection method: clinical testing. Allele origin: germline.
Comment: Variant summary: WASHC5 c.27C>G (p.Asn9Lys) results in a non-conservative amino acid change in the encoded protein sequence. Algorithms developed to predict the effect of missense changes on protein structure and function all suggest that this variant is likely to be disruptive. The variant was absent in 251076 control chromosomes. The available data on variant occurrences in the general population are insufficient to allow any conclusion about variant significance. To our knowledge, no occurrence of c.27C>G in individuals affected with Ritscher-Schinzel Syndrome 1 and no experimental evidence demonstrating its impact on protein function have been reported. No submitters have cited clinical-significance assessments for this variant to ClinVar. Based on the evidence outlined above, the variant was classified as uncertain significance.